The following is an entry in ClinVar:

NM_007214.5(SEC63):c.1591C>T (p.Pro531Ser)

Gene: SEC63 (SEC63 protein translocation regulator; minus strand). Cytogenetic location: 6q21.
Variant type: single nucleotide variant.
Coding change: c.1591C>T on transcript NM_007214.5 (MANE Select); coding-DNA position 1591, C replaced by T.
Protein change: p.Pro531Ser; replaces proline 531 with serine.
Molecular consequence: missense variant.
Genome position (GRCh38, 1-based): chr6:107,893,565, G>A on the plus strand (C>T on the coding strand, the complement: SEC63 is on the minus strand). VCF-style: chr6-107893565-G-A. GRCh37 (hg19) VCF-style: chr6-108214769-G-A.
Other names: short protein forms P531S.
Identifiers: ClinVar variation 3001418 (VCV003001418.3), dbSNP rs749623246, ClinGen allele CA365179433.

ClinVar aggregate classification (germline): Uncertain significance (1 of 4 stars; one submission).

Submission:

Labcorp Genetics (formerly Invitae), Labcorp
Classification: Uncertain significance. Last evaluated: 2024-10-22. Review status: criteria provided, single submitter. Criteria: Invitae Variant Classification Sherloc (09022015). Collection method: clinical testing. Allele origin: germline.
Comment: This sequence change replaces proline, which is neutral and non-polar, with serine, which is neutral and polar, at codon 531 of the SEC63 protein (p.Pro531Ser). The frequency data for this variant in the population databases is considered unreliable, as metrics indicate poor data quality at this position in the gnomAD database. This variant has not been reported in the literature in individuals affected with SEC63-related conditions. An algorithm developed to predict the effect of missense changes on protein structure and function (PolyPhen-2) suggests that this variant is likely to be tolerated. In summary, the available evidence is currently insufficient to determine the role of this variant in disease. Therefore, it has been classified as a Variant of Uncertain Significance.